The following is an entry in ClinVar:

NM_015100.4(POGZ):c.2699T>G (p.Leu900Arg)

Gene: POGZ (pogo transposable element derived with ZNF domain; minus strand). Cytogenetic location: 1q21.3.
Variant type: single nucleotide variant.
Coding change: c.2699T>G on transcript NM_015100.4 (MANE Select); coding-DNA position 2699, T replaced by G.
Protein change: p.Leu900Arg; replaces leucine 900 with arginine.
Molecular consequence: missense variant.
Genome position (GRCh38, 1-based): chr1:151,406,336, A>C on the plus strand (T>G on the coding strand, the complement: POGZ is on the minus strand). VCF-style: chr1-151406336-A-C. GRCh37 (hg19) VCF-style: chr1-151378812-A-C.
Other names: c.2672T>G, p.Leu891Arg (NM_001194937.2); c.2513T>G, p.Leu838Arg (NM_001194938.2); c.2720T>G, p.Leu907Arg (NM_001410860.1); c.2414T>G, p.Leu805Arg (NM_145796.4); c.2540T>G, p.Leu847Arg (NM_207171.2); short protein forms L847R, L805R, L891R, L838R, L900R, L907R.
Identifiers: ClinVar variation 1794872 (VCV001794872.2), dbSNP rs1055565002, ClinGen allele CA29569410.
Genomic context (GRCh38, chr1:151,406,336, plus strand): 5'-GTTGGTGGTGGGGTTGCAGTTGAGGCTGGTGATGGGAGTGCTGGGGCTAAGGGAGTTAGT[A>C]GCTCTTCAGGCTCAGCTGGGGTGGCCCCCGCAGATTTCACAGTGGCAGCTTTGTTAGTGG-3'
Protein context (NP_055915.2, residues 890-910): AGATPAEPEE[Leu900Arg]LTPLAPALPS

ClinVar aggregate classification (germline): Uncertain significance (1 of 4 stars; one submission).

Conditions:
Inborn genetic diseases. Identifiers: MedGen C0950123, MeSH D030342.

Allele frequency attached by ClinVar (database versions not stated): TOPMed below 0.00001.

Submission:

Ambry Genetics
Classification: Uncertain significance for Inborn genetic diseases. Last evaluated: 2020-04-27. Review status: criteria provided, single submitter. Criteria: Ambry Variant Classification Scheme 2023. Collection method: clinical testing. Allele origin: germline.
Comment: The p.L900R variant (also known as c.2699T>G), located in coding exon 18 of the POGZ gene, results from a T to G substitution at nucleotide position 2699. The leucine at codon 900 is replaced by arginine, an amino acid with dissimilar properties. This amino acid position is well conserved in available vertebrate species. In addition, this alteration is predicted to be tolerated by in silico analysis. Since supporting evidence is limited at this time, the clinical significance of this alteration remains unclear.